The following is an entry in ClinVar:

ClinVar aggregate classification (germline): Uncertain significance (1 of 4 stars; one submission).

Conditions:
RASopathy. Also called: Noonan spectrum disorder; rasopathies. Identifiers: Orphanet 536391, MedGen C5555857, MONDO:0021060.

Allele frequency attached by ClinVar (database versions not stated): gnomAD exomes below 0.00001.
gnomAD v4.1: 2 of 1,609,170 alleles (0.00012%); highest among the groups gnomAD compares: Non-Finnish European, 0.00017%; no homozygotes.

Submission:

Labcorp Genetics (formerly Invitae), Labcorp
Classification: Uncertain significance for RASopathy. Last evaluated: 2022-11-15. Review status: criteria provided, single submitter. Criteria: Invitae Variant Classification Sherloc (09022015). Collection method: clinical testing. Allele origin: germline.
Comment: In summary, the available evidence is currently insufficient to determine the role of this variant in disease. Therefore, it has been classified as a Variant of Uncertain Significance. Advanced modeling of protein sequence and biophysical properties (such as structural, functional, and spatial information, amino acid conservation, physicochemical variation, residue mobility, and thermodynamic stability) performed at Invitae indicates that this missense variant is expected to disrupt BRAF protein function. This variant has not been reported in the literature in individuals affected with BRAF-related conditions. This variant is not present in population databases (gnomAD no frequency). This sequence change replaces arginine, which is basic and polar, with cysteine, which is neutral and slightly polar, at codon 726 of the BRAF protein (p.Arg726Cys).

NM_004333.6(BRAF):c.2176C>T (p.Arg726Cys)

Gene: BRAF (B-Raf proto-oncogene, serine/threonine kinase; minus strand). Cytogenetic location: 7q34.
Variant type: single nucleotide variant.
Coding change: c.2176C>T on transcript NM_004333.6 (MANE Select); coding-DNA position 2176, C replaced by T.
Protein change: p.Arg726Cys; replaces arginine 726 with cysteine.
Molecular consequence: missense variant. On other transcripts: intron variant (2).
Genome position (GRCh38, 1-based): chr7:140,734,722, G>A on the plus strand (C>T on the coding strand, the complement: BRAF is on the minus strand). VCF-style: chr7-140734722-G-A. GRCh37 (hg19) VCF-style: chr7-140434522-G-A.
Other names: c.2176C>T, p.Arg726Cys (NM_001354609.2); c.2296C>T, p.Arg766Cys (NM_001374244.1, NM_001374258.1); c.2185C>T, p.Arg729Cys (NM_001378467.1); c.2110C>T, p.Arg704Cys (NM_001378469.1); c.2074C>T, p.Arg692Cys (NM_001378470.1); c.2065C>T, p.Arg689Cys (NM_001378471.1); c.2020C>T, p.Arg674Cys (NM_001378472.1, NM_001378473.1); c.1912C>T, p.Arg638Cys (NM_001378475.1); and 1 more; short protein forms R638C, R692C, R704C, R726C, R729C, R689C, R766C, R674C.
Identifiers: ClinVar variation 1996442 (VCV001996442.4), dbSNP rs2130868956, ClinGen allele CA369537285.